The following is an entry in ClinVar:

ClinVar aggregate classification (germline): Conflicting classifications of pathogenicity. Review status: criteria provided, conflicting classifications (1 of 4 stars). 2 submissions from 2 submitters: Uncertain significance (1); Likely benign (1). Last evaluated 2025-12-20.

Conditions:
PKD1-related disorder. Also called: PKD1-related condition.
Inborn genetic diseases. Identifiers: MedGen C0950123, MeSH D030342.

Allele frequency attached by ClinVar (database versions not stated): TOPMed 0.00001; gnomAD 0.00003; ExAC 0.00011; 1000 Genomes Project 30x 0.00016; 1000 Genomes Project 0.00020.
gnomAD v4.1: 66 of 1,594,500 alleles (0.0041%); highest among the groups gnomAD compares: South Asian, 0.069%; no homozygotes.

Submissions (2):

PreventionGenetics, part of Exact Sciences
Classification: Likely benign for PKD1-related condition. Last evaluated: 2025-12-20. Review status: criteria provided, single submitter. Criteria: ACMG Guidelines, 2015. Collection method: clinical testing. Allele origin: germline.
Comment: This variant is classified as likely benign based on ACMG/AMP sequence variant interpretation guidelines (Richards et al. 2015 PMID: 25741868, with internal and published modifications).

Ambry Genetics
Classification: Uncertain significance for Inborn genetic diseases. Last evaluated: 2022-07-27. Review status: criteria provided, single submitter. Criteria: Ambry Variant Classification Scheme 2023. Collection method: clinical testing. Allele origin: germline.

NM_001009944.3(PKD1):c.12491G>A (p.Arg4164His)

Gene: PKD1 (polycystin 1, transient receptor potential channel interacting; minus strand). Cytogenetic location: 16p13.3.
Variant type: single nucleotide variant.
Coding change: c.12491G>A on transcript NM_001009944.3 (MANE Select); coding-DNA position 12491, G replaced by A.
Protein change: p.Arg4164His; replaces arginine 4164 with histidine.
Molecular consequence: missense variant.
Genome position (GRCh38, 1-based): chr16:2,090,148, C>T on the plus strand (G>A on the coding strand, the complement: PKD1 is on the minus strand). VCF-style: chr16-2090148-C-T. GRCh37 (hg19) VCF-style: chr16-2140149-C-T.
Other names: c.12488G>A, p.Arg4163His (NM_000296.4); short protein forms R4163H, R4164H.
Identifiers: ClinVar variation 2303793 (VCV002303793.3), dbSNP rs199878927, ClinGen allele CA7828572.